The following is an entry in ClinVar:

NM_004991.4(MECOM):c.2697G>A (p.Met899Ile)

Gene: MECOM (MDS1 and EVI1 complex locus; minus strand). Cytogenetic location: 3q26.2.
Variant type: single nucleotide variant.
Coding change: c.2697G>A on transcript NM_004991.4 (MANE Select); coding-DNA position 2697, G replaced by A.
Protein change: p.Met899Ile; replaces methionine 899 with isoleucine.
Molecular consequence: missense variant.
Genome position (GRCh38, 1-based): chr3:169,102,134, C>T on the plus strand (G>A on the coding strand, the complement: MECOM is on the minus strand). VCF-style: chr3-169102134-C-T. GRCh37 (hg19) VCF-style: chr3-168819922-C-T.
Other names: c.2109G>A, p.Met703Ile (NM_001366470.2, NM_001163999.2); c.2106G>A, p.Met702Ile (NM_001366471.2, NM_001366472.2, NM_001164000.2); c.1698G>A, p.Met566Ile (NM_001366473.2); c.1134G>A, p.Met378Ile (NM_001366474.2); c.2133G>A, p.Met711Ile (NM_005241.4, NM_001105078.4, NM_001205194.2 and 1 more transcripts); c.2328G>A, p.Met776Ile (NM_001105077.4); c.2670G>A, p.Met890Ile (NM_001366466.2); c.2136G>A, p.Met712Ile (NM_001366467.2, NM_001366468.2); short protein forms M711I, M776I, M378I, M702I, M566I, M899I, M703I, M712I.
Identifiers: ClinVar variation 4624597 (VCV004624597.1).

ClinVar aggregate classification (germline): Uncertain significance (1 of 4 stars; one submission).

Conditions:
Inborn genetic diseases. Identifiers: MedGen C0950123, MeSH D030342.

gnomAD v4.1: 2 of 1,613,900 alleles (0.00012%); highest among the groups gnomAD compares: African/African-American, 0.0013%; no homozygotes.

Submission:

Ambry Genetics
Classification: Uncertain significance for Inborn genetic diseases. Last evaluated: 2025-09-22. Review status: criteria provided, single submitter. Criteria: Ambry Variant Classification Scheme 2023. Collection method: clinical testing. Allele origin: germline.
Comment: The p.M899I variant (also known as c.2697G>A), located in coding exon 11 of the MECOM gene, results from a G to A substitution at nucleotide position 2697. The methionine at codon 899 is replaced by isoleucine, an amino acid with highly similar properties. This amino acid position is conserved. In addition, this alteration is predicted to be tolerated by in silico analysis. Based on the available evidence, the clinical significance of this variant remains unclear.